The following is an entry in ClinVar:

NM_002474.3(MYH11):c.2950G>C (p.Glu984Gln)

Gene: MYH11 (myosin heavy chain 11; minus strand). Cytogenetic location: 16p13.11.
Variant type: single nucleotide variant.
Coding change: c.2950G>C on transcript NM_002474.3 (MANE Select); coding-DNA position 2950, G replaced by C.
Protein change: p.Glu984Gln; replaces glutamic acid 984 with glutamine.
Molecular consequence: missense variant.
Genome position (GRCh38, 1-based): chr16:15,740,098, C>G on the plus strand (G>C on the coding strand, the complement: MYH11 is on the minus strand). VCF-style: chr16-15740098-C-G. GRCh37 (hg19) VCF-style: chr16-15833955-C-G.
Other names: c.2971G>C, p.Glu991Gln (NM_001040113.2, NM_001040114.2); c.2950G>C, p.Glu984Gln (NM_022844.3); short protein forms E984Q, E991Q.
Identifiers: ClinVar variation 925232 (VCV000925232.5), dbSNP rs1163072851, ClinGen allele CA394864673.
Genomic context (GRCh38, chr16:15,740,098, plus strand): 5'-GGCCCCTACTCACTTTTGATAGTTTATTGTTCTGATCATCCATGACCAGGATCTCATCCT[C>G]CAGTTTCTTGATCTTGGCCTCAGCCGTGACCTTCTCAAGTTGCAGCTTCTGCCTGGCAGC-3'
Protein context (NP_002465.1, residues 974-994): VTAEAKIKKL[Glu984Gln]DEILVMDDQN

ClinVar aggregate classification (germline): Uncertain significance (1 of 4 stars; one submission).

Conditions:
Familial thoracic aortic aneurysm and aortic dissection (TAAD). Also called: Thoracic aortic aneurysms and dissections. Identifiers: Orphanet 91387, MedGen C4707243, MONDO:0019625.

Submission:

Color Diagnostics, LLC DBA Color Health
Classification: Uncertain significance for Familial thoracic aortic aneurysm and aortic dissection. Last evaluated: 2023-12-04. Review status: criteria provided, single submitter. Criteria: ACMG Guidelines, 2015. Collection method: clinical testing. Allele origin: germline.
Comment: This missense variant replaces glutamic acid with glutamine at codon 991 of the MYH11 protein. Computational prediction tools and conservation analyses are inconclusive regarding the impact of this variant on protein structure and function. Splice site prediction tools suggest that this variant may not impact RNA splicing. To our knowledge, functional studies have not been performed for this variant. This variant has not been reported in individuals affected with cardiovascular disorders in the literature. This variant has not been identified in the general population by the Genome Aggregation Database (gnomAD). The available evidence is insufficient to determine the role of this variant in disease conclusively. Therefore, this variant is classified as a Variant of Uncertain Significance.